The following is an entry in ClinVar:

ClinVar aggregate classification (germline): Pathogenic. Review status: criteria provided, multiple submitters, no conflicts (2 of 4 stars). 2 submissions from 2 submitters: Pathogenic (2). Last evaluated 2024-06-21.

Conditions:
Polycystic kidney disease, adult type (PKD1). Also called: Polycystic Kidney, Autosomal Dominant; POLYCYSTIC KIDNEY DISEASE 1 WITH OR WITHOUT POLYCYSTIC LIVER DISEASE; POLYCYSTIC KIDNEY DISEASE, ADULT, TYPE I; Polycystic Kidney Disease 1, Autosomal Dominant; Polycystic kidney disease 1; Polycystic kidney disease 1, severe. Identifiers: MedGen C3149841, MONDO:0008263, OMIM 173900.

Submissions (2):

Fulgent Genetics
Classification: Pathogenic for Polycystic kidney disease, adult type. Last evaluated: 2024-06-21. Review status: criteria provided, single submitter. Criteria: ACMG Guidelines, 2015. Collection method: clinical testing. Allele origin: germline.

Juno Genomics, Hangzhou Juno Genomics, Inc
Classification: Pathogenic for Polycystic kidney disease, adult type. Review status: criteria provided, single submitter. Criteria: ACMG Guidelines, 2015. Collection method: clinical testing. Allele origin: germline. Affected: yes.
Comment: Null variant in a gene where loss of function (LOF) is a known mechanism of disease.;Absent from controls (or at extremely low frequency if recessive) in Genome Aggregation Database, Exome Sequencing Project, 1000 Genomes Project, or Exome Aggregation Consortium.;Patient's phenotype or family history is highly specific for a disease with a single genetic etiology.

NM_001009944.3(PKD1):c.1357C>T (p.Gln453Ter)

Gene: PKD1 (polycystin 1, transient receptor potential channel interacting; minus strand). Cytogenetic location: 16p13.3.
Variant type: single nucleotide variant.
Coding change: c.1357C>T on transcript NM_001009944.3 (MANE Select); coding-DNA position 1357, C replaced by T.
Protein change: p.Gln453Ter; replaces glutamine 453 with a stop codon.
Molecular consequence: nonsense.
Genome position (GRCh38, 1-based): chr16:2,117,517, G>A on the plus strand (C>T on the coding strand, the complement: PKD1 is on the minus strand). VCF-style: chr16-2117517-G-A. GRCh37 (hg19) VCF-style: chr16-2167518-G-A.
Other names: c.1357C>T, p.Gln453Ter (NM_000296.4); short protein forms Q453*.
Identifiers: ClinVar variation 3335854 (VCV003335854.3).